The following is an entry in ClinVar:

ClinVar aggregate classification (germline): Uncertain significance (1 of 4 stars; one submission).

Conditions:
Rhabdoid tumor predisposition syndrome 2 (RTPS2). Identifiers: Orphanet 231108, Orphanet 69077, MedGen C2750074, MONDO:0013224, OMIM 613325.

Submission:

Labcorp Genetics (formerly Invitae), Labcorp
Classification: Uncertain significance for Rhabdoid tumor predisposition syndrome 2. Last evaluated: 2022-04-07. Review status: criteria provided, single submitter. Criteria: Invitae Variant Classification Sherloc (09022015). Collection method: clinical testing. Allele origin: germline.
Comment: This sequence change replaces serine, which is neutral and polar, with arginine, which is basic and polar, at codon 297 of the SMARCA4 protein (p.Ser297Arg). This variant is not present in population databases (gnomAD no frequency). This variant has not been reported in the literature in individuals affected with SMARCA4-related conditions. Algorithms developed to predict the effect of missense changes on protein structure and function are either unavailable or do not agree on the potential impact of this missense change (SIFT: "Deleterious"; PolyPhen-2: "Benign"; Align-GVGD: "Class C0"). In summary, the available evidence is currently insufficient to determine the role of this variant in disease. Therefore, it has been classified as a Variant of Uncertain Significance.

NM_003072.5(SMARCA4):c.891C>A (p.Ser297Arg)

Gene: SMARCA4 (SWI/SNF related BAF chromatin remodeling complex subunit ATPase 4; plus strand). Cytogenetic location: 19p13.2.
Variant type: single nucleotide variant.
Coding change: c.891C>A on transcript NM_003072.5 (MANE Select); coding-DNA position 891, C replaced by A.
Protein change: p.Ser297Arg; replaces serine 297 with arginine.
Molecular consequence: missense variant. On other transcripts: non-coding transcript variant (1).
Genome position (GRCh38, 1-based): chr19:10,987,697, C>A. VCF-style: chr19-10987697-C-A. GRCh37 (hg19) VCF-style: chr19-11098373-C-A.
Other names: c.891C>A, p.Ser297Arg (NM_001128844.3, NM_001128845.2, NM_001128846.2 and 6 more transcripts); short protein forms S297R.
Identifiers: ClinVar variation 2122364 (VCV002122364.4), dbSNP rs2145814551, ClinGen allele CA404058401.